The following is an entry in ClinVar:

NM_015909.4(NBAS):c.1366C>A (p.Arg456=)

Gene: NBAS (NBAS subunit of NRZ tethering complex; minus strand). Cytogenetic location: 2p24.3.
Variant type: single nucleotide variant.
Coding change: c.1366C>A on transcript NM_015909.4 (MANE Select); coding-DNA position 1366, C replaced by A.
Protein change: p.Arg456=; no amino-acid change (arginine 456 retained).
Molecular consequence: synonymous variant. On other transcripts: non-coding transcript variant (1).
Genome position (GRCh38, 1-based): chr2:15,474,300, G>T on the plus strand (C>A on the coding strand, the complement: NBAS is on the minus strand). VCF-style: chr2-15474300-G-T. GRCh37 (hg19) VCF-style: chr2-15614424-G-T.
Other names: c.1366C>A (NM_015909.3).
Identifiers: ClinVar variation 1953872 (VCV001953872.6), dbSNP rs372603397, ClinGen allele CA1536695.

ClinVar aggregate classification (germline): Likely benign. Review status: criteria provided, multiple submitters, no conflicts (2 of 4 stars). 2 submissions from 2 submitters: Likely benign (2). Last evaluated 2026-07-13.

Conditions:
NBAS-related disorder. Also called: NBAS-related condition.

gnomAD v4.1: 7 of 1,613,320 alleles (0.00043%); highest among the groups gnomAD compares: Non-Finnish European, 0.00051%; no homozygotes.

Submissions (2):

PreventionGenetics, part of Exact Sciences
Classification: Likely benign for NBAS-related condition. Last evaluated: 2026-07-13. Review status: criteria provided, single submitter. Criteria: ACMG Guidelines, 2015. Collection method: clinical testing. Allele origin: germline.
Comment: This variant is classified as likely benign based on ACMG/AMP sequence variant interpretation guidelines (Richards et al. 2015 PMID: 25741868, with internal and published modifications).

Labcorp Genetics (formerly Invitae), Labcorp
Classification: Likely benign. Last evaluated: 2023-11-10. Review status: criteria provided, single submitter. Criteria: Invitae Variant Classification Sherloc (09022015). Collection method: clinical testing. Allele origin: germline.